The following is an entry in ClinVar:

ClinVar aggregate classification (germline): Uncertain significance (1 of 4 stars; one submission).

gnomAD v4.1: 1 of 1,598,600 alleles (0.000063%); highest among the groups gnomAD compares: African/African-American, 0.0013%; no homozygotes.

Submission:

Labcorp Genetics (formerly Invitae), Labcorp
Classification: Uncertain significance. Last evaluated: 2024-08-01. Review status: criteria provided, single submitter. Criteria: Invitae Variant Classification Sherloc (09022015). Collection method: clinical testing. Allele origin: germline.
Comment: This sequence change replaces alanine, which is neutral and non-polar, with serine, which is neutral and polar, at codon 364 of the MYLK3 protein (p.Ala364Ser). This variant is not present in population databases (gnomAD no frequency). This variant has not been reported in the literature in individuals affected with MYLK3-related conditions. An algorithm developed to predict the effect of missense changes on protein structure and function (PolyPhen-2) suggests that this variant is likely to be tolerated. In summary, the available evidence is currently insufficient to determine the role of this variant in disease. Therefore, it has been classified as a Variant of Uncertain Significance.

NM_182493.3(MYLK3):c.1090G>T (p.Ala364Ser)

Gene: MYLK3 (myosin light chain kinase 3; minus strand). Cytogenetic location: 16q11.2.
Variant type: single nucleotide variant.
Coding change: c.1090G>T on transcript NM_182493.3 (MANE Select); coding-DNA position 1090, G replaced by T.
Protein change: p.Ala364Ser; replaces alanine 364 with serine.
Molecular consequence: missense variant.
Genome position (GRCh38, 1-based): chr16:46,732,580, C>A on the plus strand (G>T on the coding strand, the complement: MYLK3 is on the minus strand). VCF-style: chr16-46732580-C-A. GRCh37 (hg19) VCF-style: chr16-46766492-C-A.
Other names: c.67G>T, p.Ala23Ser (NM_001308301.1); short protein forms A23S, A364S.
Identifiers: ClinVar variation 3620045 (VCV003620045.2).